The following is an entry in ClinVar:

ClinVar aggregate classification (germline): Uncertain significance (1 of 4 stars; one submission).

gnomAD v4.1: 2 of 1,204,833 alleles (0.00017%); highest among the groups gnomAD compares: African/African-American, 0.0035%; no homozygotes.

Submission:

Labcorp Genetics (formerly Invitae), Labcorp
Classification: Uncertain significance. Last evaluated: 2026-01-14. Review status: criteria provided, single submitter. Criteria: Invitae Variant Classification Sherloc (09022015). Collection method: clinical testing. Allele origin: germline.
Comment: This sequence change replaces phenylalanine, which is neutral and non-polar, with isoleucine, which is neutral and non-polar, at codon 184 of the TBC1D8B protein (p.Phe184Ile). The frequency data for this variant in the population databases is considered unreliable, as metrics indicate poor data quality at this position in the gnomAD database. This variant has not been reported in the literature in individuals affected with TBC1D8B-related conditions. An algorithm developed to predict the effect of missense changes on protein structure and function (PolyPhen-2) suggests that this variant is likely to be disruptive. In summary, the available evidence is currently insufficient to determine the role of this variant in disease. Therefore, it has been classified as a Variant of Uncertain Significance.

NM_017752.3(TBC1D8B):c.550T>A (p.Phe184Ile)

Gene: TBC1D8B (TBC1 domain family member 8B; plus strand). Cytogenetic location: Xq22.3.
Variant type: single nucleotide variant.
Coding change: c.550T>A on transcript NM_017752.3 (MANE Select); coding-DNA position 550, T replaced by A.
Protein change: p.Phe184Ile; replaces phenylalanine 184 with isoleucine.
Molecular consequence: missense variant.
Genome position (GRCh38, 1-based): chrX:106,822,166, T>A. VCF-style: chrX-106822166-T-A. GRCh37 (hg19) VCF-style: chrX-106065396-T-A.
Other names: c.550T>A, p.Phe184Ile (NM_001441214.1, NM_198881.2); c.256T>A, p.Phe86Ile (NM_001441215.1); short protein forms F184I, F86I.
Identifiers: ClinVar variation 4759950 (VCV004759950.1).